The following is an entry in ClinVar:

ClinVar aggregate classification (germline): Benign/Likely benign. Review status: criteria provided, multiple submitters, no conflicts (2 of 4 stars). 7 submissions from 7 submitters: Benign (6); Likely benign (1). Last evaluated 2026-09-01.

Conditions:
Ullrich congenital muscular dystrophy 2 (UCMD2). Identifiers: Orphanet 75840, MedGen C4225314, MONDO:0014654, OMIM 616470.
Bethlem myopathy 2 (BTHLM2). Identifiers: Orphanet 536516, Orphanet 610, MedGen C4225313, MONDO:0034022, OMIM 616471.

Allele frequency attached by ClinVar (database versions not stated): 1000 Genomes Project 0.00419; 1000 Genomes Project 30x 0.00437; ExAC 0.00730; gnomAD 0.00730 and 0.00776; gnomAD exomes 0.00759 and 0.01135; TOPMed 0.00766; ESP Exome Variant Server 0.00975.
gnomAD v4.1: 17,614 of 1,605,968 alleles (1.1%); highest among the groups gnomAD compares: Non-Finnish European, 1.3%; 158 homozygotes.

Submissions (7):

CeGaT Center for Human Genetics Tuebingen
Classification: Benign. Last evaluated: 2026-09-01. Review status: criteria provided, single submitter. Criteria: CeGaT Center For Human Genetics Tuebingen Variant Classification Criteria Version 2. Collection method: clinical testing. Allele origin: germline. Affected: yes. Observed: 58 variant alleles.
Comment: COL12A1: BP4, BP7, BS1, BS2

Labcorp Genetics (formerly Invitae), Labcorp
Classification: Benign for Bethlem myopathy 2; Ullrich congenital muscular dystrophy 2. Last evaluated: 2026-02-04. Review status: criteria provided, single submitter. Criteria: Invitae Variant Classification Sherloc (09022015). Collection method: clinical testing. Allele origin: germline.

Women's Health and Genetics/Laboratory Corporation of America, LabCorp
Classification: Benign. Last evaluated: 2026-01-22. Review status: criteria provided, single submitter. Criteria: LabCorp Variant Classification Summary - May 2015. Collection method: clinical testing. Allele origin: germline.

Mayo Clinic Laboratories, Mayo Clinic
Classification: Benign. Last evaluated: 2023-03-16. Review status: criteria provided, single submitter. Criteria: ACMG Guidelines, 2015. Collection method: clinical testing. Allele origin: germline. Observed: 80 variant alleles.
Comment: BS1, BS2, BP4, BP7

Fulgent Genetics
Classification: Likely benign for Ullrich congenital muscular dystrophy 2; Bethlem myopathy 2. Last evaluated: 2021-11-11. Review status: criteria provided, single submitter. Criteria: ACMG Guidelines, 2015. Collection method: clinical testing. Allele origin: unknown.

GeneDx
Classification: Benign. Last evaluated: 2019-08-21. Review status: criteria provided, single submitter. Criteria: GeneDx Variant Classification Process June 2021. Collection method: clinical testing. Allele origin: germline. Affected: yes.

PreventionGenetics, part of Exact Sciences
Classification: Benign. Review status: criteria provided, single submitter. Criteria: ACMG Guidelines, 2015. Collection method: clinical testing. Allele origin: germline.

NM_004370.6(COL12A1):c.5508G>A (p.Thr1836=)

Gene: COL12A1 (collagen type XII alpha 1 chain; minus strand). Cytogenetic location: 6q13.
Variant type: single nucleotide variant.
Coding change: c.5508G>A on transcript NM_004370.6 (MANE Select); coding-DNA position 5508, G replaced by A.
Protein change: p.Thr1836=; no amino-acid change (threonine 1836 retained).
Molecular consequence: synonymous variant.
Genome position (GRCh38, 1-based): chr6:75,134,742, C>T on the plus strand (G>A on the coding strand, the complement: COL12A1 is on the minus strand). VCF-style: chr6-75134742-C-T. GRCh37 (hg19) VCF-style: chr6-75844458-C-T.
Other names: p.Thr1836=; c.2016G>A, p.Thr672= (NM_080645.3).
Identifiers: ClinVar variation 259338 (VCV000259338.50), dbSNP rs77425231, ClinGen allele CA3893114.